The following is an entry in ClinVar:

NM_017739.4(POMGNT1):c.313T>C (p.Ser105Pro)

Gene: POMGNT1 (protein O-linked mannose N-acetylglucosaminyltransferase 1 (beta 1,2-); minus strand). Cytogenetic location: 1p34.1.
Variant type: single nucleotide variant.
Coding change: c.313T>C on transcript NM_017739.4 (MANE Select); coding-DNA position 313, T replaced by C.
Protein change: p.Ser105Pro; replaces serine 105 with proline.
Molecular consequence: missense variant. On other transcripts: 5 prime UTR variant (1).
Genome position (GRCh38, 1-based): chr1:46,196,772, A>G on the plus strand (T>C on the coding strand, the complement: POMGNT1 is on the minus strand). VCF-style: chr1-46196772-A-G. GRCh37 (hg19) VCF-style: chr1-46662444-A-G.
Other names: c.313T>C, p.Ser105Pro (NM_001243766.2, NM_001410783.1); c.247T>C, p.Ser83Pro (NM_001290129.3); c.-117T>C (NM_001290130.2); short protein forms S105P, S83P.
Identifiers: ClinVar variation 1495444 (VCV001495444.3), dbSNP rs780158040, ClinGen allele CA833790.

ClinVar aggregate classification (germline): Uncertain significance (1 of 4 stars; one submission).

Conditions:
Autosomal recessive limb-girdle muscular dystrophy type 2O. Also called: Limb-Girdle Muscular Dystrophy Type 3C; MUSCULAR DYSTROPHY-DYSTROGLYCANOPATHY (LIMB-GIRDLE), TYPE C, 3; MUSCULAR DYSTROPHY-DYSTROGLYCANOPATHY, LIMB-GIRDLE, POMGNT1-RELATED. Identifiers: Orphanet 206564, MedGen C3150417, MONDO:0013161, OMIM 613157.
Muscular dystrophy-dystroglycanopathy (congenital with impaired intellectual development), type B, 3. Also called: Muscular dystrophy-dystroglycanopathy (congenital with intellectual disability), type B3; MUSCULAR DYSTROPHY, CONGENITAL, POMGNT1-RELATED. Identifiers: MedGen C3150412, MONDO:0013155, OMIM 613151.

Allele frequency attached by ClinVar (database versions not stated): ExAC 0.00002; gnomAD exomes 0.00001.
gnomAD v4.1: 3 of 1,614,176 alleles (0.00019%); highest among the groups gnomAD compares: South Asian, 0.0033%; no homozygotes.

Submission:

Labcorp Genetics (formerly Invitae), Labcorp
Classification: Uncertain significance for Autosomal recessive limb-girdle muscular dystrophy type 2O; Muscular dystrophy-dystroglycanopathy (congenital with impaired intellectual development), type B, 3. Last evaluated: 2021-11-23. Review status: criteria provided, single submitter. Criteria: Invitae Variant Classification Sherloc (09022015). Collection method: clinical testing. Allele origin: germline.
Comment: This sequence change replaces serine, which is neutral and polar, with proline, which is neutral and non-polar, at codon 105 of the POMGNT1 protein (p.Ser105Pro). This variant is present in population databases (rs780158040, gnomAD 0.01%). This variant has not been reported in the literature in individuals affected with POMGNT1-related conditions. Advanced modeling of protein sequence and biophysical properties (such as structural, functional, and spatial information, amino acid conservation, physicochemical variation, residue mobility, and thermodynamic stability) performed at Invitae indicates that this missense variant is not expected to disrupt POMGNT1 protein function. In summary, the available evidence is currently insufficient to determine the role of this variant in disease. Therefore, it has been classified as a Variant of Uncertain Significance.